The following is an entry in ClinVar:

NM_000535.7(PMS2):c.1209C>G (p.Ser403=)

Gene: PMS2 (PMS1 homolog 2, mismatch repair system component; minus strand). Cytogenetic location: 7p22.1.
Variant type: single nucleotide variant.
Coding change: c.1209C>G on transcript NM_000535.7 (MANE Select); coding-DNA position 1209, C replaced by G.
Protein change: p.Ser403=; no amino-acid change (serine 403 retained).
Molecular consequence: synonymous variant. On other transcripts: non-coding transcript variant (1).
Genome position (GRCh38, 1-based): chr7:5,987,556, G>C on the plus strand (C>G on the coding strand, the complement: PMS2 is on the minus strand). VCF-style: chr7-5987556-G-C. GRCh37 (hg19) VCF-style: chr7-6027187-G-C.
Other names: c.804C>G, p.Ser268= (NM_001322003.2, NM_001322004.2, NM_001322005.2 and 1 more transcripts); c.1053C>G, p.Ser351= (NM_001322006.2); c.891C>G, p.Ser297= (NM_001322007.2, NM_001322008.2); c.648C>G, p.Ser216= (NM_001322010.2); c.276C>G, p.Ser92= (NM_001322011.2, NM_001322012.2); c.636C>G, p.Ser212= (NM_001322013.2); c.1209C>G, p.Ser403= (NM_001322014.2); c.900C>G, p.Ser300= (NM_001322015.2).
Identifiers: ClinVar variation 230037 (VCV000230037.20), dbSNP rs147399413, ClinGen allele CA042551.
Genomic context (GRCh38, chr7:5,987,556, plus strand): 5'-GGCCTCTCGCAGTCTGGAAATGGACACGTCTTTTTTTTCTTCTCCAGTCCTTAATGAAGG[G>C]GATTGATCCTGCTTTTCTACCATGGGCTTTTCCAAATCCGCTGCATGCATTTTTATTAAG-3'
Protein context (NP_000526.2, residues 393-413): EKPMVEKQDQ[Ser403=]PSLRTGEEKK

ClinVar aggregate classification (germline): Benign/Likely benign. Review status: criteria provided, multiple submitters, no conflicts (2 of 4 stars). 5 submissions from 5 submitters: Benign (1); Likely benign (4). Last evaluated 2025-01-30.

Conditions:
Hereditary nonpolyposis colorectal neoplasms. Identifiers: MedGen C0009405, MeSH D003123.
Hereditary cancer-predisposing syndrome. Also called: Hereditary neoplastic syndrome; Hereditary Cancer Syndrome; Neoplastic Syndromes, Hereditary; Tumor predisposition. Identifiers: Orphanet 140162, MedGen C0027672, MeSH D009386, MONDO:0015356.
Lynch syndrome. Identifiers: Orphanet 144, MedGen C4552100, MONDO:0005835. Disease mechanism: loss of function.
Lynch syndrome 4 (LYNCH4). Also called: Colorectal cancer, hereditary nonpolyposis, type 4; Hereditary non-polyposis colorectal cancer, type 4. Identifiers: Orphanet 144, MedGen C1838333, MONDO:0013699, OMIM 614337. Disease mechanism: loss of function.

Allele frequency attached by ClinVar (database versions not stated): TOPMed 0.00002; ESP Exome Variant Server 0.00008.
gnomAD v4.1: 14 of 1,613,546 alleles (0.00087%); highest among the groups gnomAD compares: Non-Finnish European, 0.0012%; no homozygotes.

Submissions (5):

Myriad Genetics, Inc.
Classification: Benign for Lynch syndrome 4. Last evaluated: 2025-01-30. Review status: criteria provided, single submitter. Criteria: Myriad Autosomal Dominant, Autosomal Recessive and X-Linked Classification Criteria (2023). Collection method: clinical testing. Allele origin: unknown.
Comment: This variant is considered benign. This variant is a silent/synonymous amino acid change and it is not expected to impact splicing.

Labcorp Genetics (formerly Invitae), Labcorp
Classification: Likely benign for Hereditary nonpolyposis colorectal neoplasms. Last evaluated: 2024-10-16. Review status: criteria provided, single submitter. Criteria: Invitae Variant Classification Sherloc (09022015). Collection method: clinical testing. Allele origin: germline.

All of Us Research Program, National Institutes of Health
Classification: Likely benign for Lynch syndrome. Last evaluated: 2023-02-15. Review status: criteria provided, single submitter. Criteria: ACMG Guidelines, 2015. Collection method: clinical testing. Allele origin: germline. Inheritance: Autosomal dominant inheritance. Observed: 1 variant allele, 1 heterozygote.
Comment: This study involves interpretation of variants in research participants for the purpose of population health screening. Participant phenotype was not available at the time of variant classification. Additional details can be found in publication PMID: 35346344, PMCID: PMC8962531

Color Diagnostics, LLC DBA Color Health
Classification: Likely benign for Hereditary cancer-predisposing syndrome. Last evaluated: 2020-03-02. Review status: criteria provided, single submitter. Criteria: ACMG Guidelines, 2015. Collection method: clinical testing. Allele origin: germline.

Ambry Genetics
Classification: Likely benign for Hereditary cancer-predisposing syndrome. Last evaluated: 2015-01-16. Review status: criteria provided, single submitter. Criteria: Ambry Variant Classification Scheme 2023. Collection method: clinical testing. Allele origin: germline.